The following is an entry in ClinVar:

NM_020320.5(RARS2):c.3G>C (p.Met1Ile)

Gene: RARS2 (arginyl-tRNA synthetase 2, mitochondrial; minus strand). Cytogenetic location: 6q15.
Variant type: single nucleotide variant.
Coding change: c.3G>C on transcript NM_020320.5 (MANE Select); coding-DNA position 3, G replaced by C.
Protein change: p.Met1Ile; changes the start codon (methionine 1).
Molecular consequence: missense variant, initiator codon variant. On other transcripts: 5 prime UTR variant (7), non-coding transcript variant (23).
Genome position (GRCh38, 1-based): chr6:87,589,955, C>G on the plus strand (G>C on the coding strand, the complement: RARS2 is on the minus strand). VCF-style: chr6-87589955-C-G. GRCh37 (hg19) VCF-style: chr6-88299673-C-G.
Other names: c.-688G>C (NM_001318785.2); c.3G>C, p.Met1Ile (NM_001350505.2); c.-744G>C (NM_001350506.2, NM_001350510.2); c.-867G>C (NM_001350507.2); c.-906G>C (NM_001350508.2); c.-614G>C (NM_001350509.2); c.-863G>C (NM_001350511.2); c.3G>C (NM_020320.4); short protein forms M1I.
Identifiers: ClinVar variation 3594177 (VCV003594177.2).
Genomic context (GRCh38, chr6:87,589,955, plus strand): 5'-CTCCTCTGCGCGCTCCGGGATCCATACCTGGCAAGCAATAGCGCGGCGAAAGCCGCACGC[C>G]ATGTCCACCTCTACGGAAGTGCGCCGCAGTCCGCCAGTTCCGGCCTCGCCCCACCTCCTT-3'
Protein context (NP_064716.2, residues 1-11): [Met1Ile]ACGFRRAIAC

ClinVar aggregate classification (germline): Pathogenic/Likely pathogenic. Review status: criteria provided, multiple submitters, no conflicts (2 of 4 stars). 2 submissions from 2 submitters: Pathogenic (1); Likely pathogenic (1). Last evaluated 2025-03-22.

Conditions:
Pontocerebellar hypoplasia type 6 (PCH6). Identifiers: Orphanet 166073, MedGen C1969084, MONDO:0012683, OMIM 611523.

Submissions (2):

Natera, Inc.
Classification: Pathogenic for Pontocerebellar hypoplasia, type 6. Last evaluated: 2025-03-22. Review status: criteria provided, single submitter. Criteria: Natera Variant Classification Schema (03/2026). Collection method: clinical testing. Allele origin: germline.
Comment: The c.3G>C variant in RARS2 is predicted to result in start loss due to disruption of the initiator methionine. This variant is expected to result in nonsense mediated decay, truncation, or a dysfunctional protein product. This variant is rare in the general population with a frequency below the threshold expected for the associated phenotype(s). Another variant at this same site results in an alteration predicted to cause a similar molecular effect has been observed in individual(s) with the associated phenotype. Given the available evidence, this variant is classified as Pathogenic.

Fulgent Genetics
Classification: Likely pathogenic for Pontocerebellar hypoplasia type 6. Last evaluated: 2024-05-18. Review status: criteria provided, single submitter. Criteria: ACMG Guidelines, 2015. Collection method: clinical testing. Allele origin: germline.